The following is an entry in ClinVar:

NM_001134382.3(IQSEC1):c.390G>A (p.Ala130=)

Gene: IQSEC1 (IQ motif and Sec7 domain ArfGEF 1; minus strand). Cytogenetic location: 3p25.2.
Variant type: single nucleotide variant.
Coding change: c.390G>A on transcript NM_001134382.3 (MANE Select); coding-DNA position 390, G replaced by A.
Protein change: p.Ala130=; no amino-acid change (alanine 130 retained).
Molecular consequence: synonymous variant.
Genome position (GRCh38, 1-based): chr3:12,936,626, C>T on the plus strand (G>A on the coding strand, the complement: IQSEC1 is on the minus strand). VCF-style: chr3-12936626-C-T. GRCh37 (hg19) VCF-style: chr3-12978126-C-T.
Other names: c.66G>A, p.Ala22= (NM_001330619.3); c.714G>A, p.Ala238= (NM_001376938.2); c.432G>A, p.Ala144= (NM_014869.8).
Identifiers: ClinVar variation 721687 (VCV000721687.7), dbSNP rs140480659, ClinGen allele CA2262509.

ClinVar aggregate classification (germline): Likely benign. Review status: criteria provided, multiple submitters, no conflicts (2 of 4 stars). 2 submissions from 2 submitters: Likely benign (2). Last evaluated 2026-01-01.

Allele frequency attached by ClinVar (database versions not stated): 1000 Genomes Project 30x 0.00016; 1000 Genomes Project 0.00020; gnomAD 0.00032; TOPMed 0.00034; ESP Exome Variant Server 0.00038; gnomAD exomes 0.00040 and 0.00044; ExAC 0.00044.
gnomAD v4.1: 677 of 1,611,934 alleles (0.042%); highest among the groups gnomAD compares: Admixed American, 0.1%; 1 homozygote.

Submissions (2):

CeGaT Center for Human Genetics Tuebingen
Classification: Likely benign. Last evaluated: 2026-01-01. Review status: criteria provided, single submitter. Criteria: CeGaT Center For Human Genetics Tuebingen Variant Classification Criteria Version 2. Collection method: clinical testing. Allele origin: germline. Affected: yes. Observed: 1 variant allele.
Comment: IQSEC1: BP4, BP7

Labcorp Genetics (formerly Invitae), Labcorp
Classification: Likely benign. Last evaluated: 2018-07-02. Review status: criteria provided, single submitter. Criteria: Invitae Variant Classification Sherloc (09022015). Collection method: clinical testing. Allele origin: germline.